The following is an entry in ClinVar:

ClinVar aggregate classification (germline): Uncertain significance. Review status: criteria provided, multiple submitters, no conflicts (2 of 4 stars). 4 submissions from 3 submitters: Uncertain significance (4). Last evaluated 2023-07-25.

Conditions:
Inborn genetic diseases. Identifiers: MedGen C0950123, MeSH D030342.
Isolated microphthalmia 5. Also called: Posterior Microphthalmia with Retinitis Pigmentosa, Foveoschisis, and Optic Disc Drusen. Identifiers: Orphanet 251279, MedGen C1970236, MONDO:0012605, OMIM 611040.
Late-onset retinal degeneration (LORD). Also called: RETINAL DEGENERATION, LATE-ONSET, AUTOSOMAL DOMINANT. Identifiers: Orphanet 67042, MedGen C1854065, MONDO:0011579, OMIM 605670. Disease mechanism: loss of function.

Allele frequency attached by ClinVar (database versions not stated): ExAC 0.00007; TOPMed 0.00010; gnomAD exomes 0.00008; ESP Exome Variant Server 0.00015.
gnomAD v4.1: 170 of 1,613,670 alleles (0.011%); highest among the groups gnomAD compares: Non-Finnish European, 0.013%; 1 homozygote.

Submissions (4):

Ambry Genetics
Classification: Uncertain significance for Inborn genetic diseases. Last evaluated: 2023-07-25. Review status: criteria provided, single submitter. Criteria: Ambry Variant Classification Scheme 2023. Collection method: clinical testing. Allele origin: germline.

Labcorp Genetics (formerly Invitae), Labcorp
Classification: Uncertain significance for Isolated microphthalmia 5. Last evaluated: 2022-02-23. Review status: criteria provided, single submitter. Criteria: Invitae Variant Classification Sherloc (09022015). Collection method: clinical testing. Allele origin: germline.
Comment: This sequence change replaces threonine, which is neutral and polar, with methionine, which is neutral and non-polar, at codon 112 of the MFRP protein (p.Thr112Met). This variant is present in population databases (rs145883448, gnomAD 0.01%). This variant has not been reported in the literature in individuals affected with MFRP-related conditions. ClinVar contains an entry for this variant (Variation ID: 302973). Algorithms developed to predict the effect of missense changes on protein structure and function are either unavailable or do not agree on the potential impact of this missense change (SIFT: "Deleterious"; PolyPhen-2: "Possibly Damaging"; Align-GVGD: "Class C0"). In summary, the available evidence is currently insufficient to determine the role of this variant in disease. Therefore, it has been classified as a Variant of Uncertain Significance.

Illumina Laboratory Services, Illumina
Classification: Uncertain significance for Isolated microphthalmia 5. Last evaluated: 2018-01-13. Review status: criteria provided, single submitter. Criteria: ICSL Variant Classification Criteria 13 December 2019. Collection method: clinical testing. Allele origin: germline.

Illumina Laboratory Services, Illumina
Classification: Uncertain significance for Late-onset retinal degeneration. Last evaluated: 2018-01-13. Review status: criteria provided, single submitter. Criteria: ICSL Variant Classification Criteria 13 December 2019. Collection method: clinical testing. Allele origin: germline.

NM_031433.4(MFRP):c.335C>T (p.Thr112Met)

Genes: C1QTNF5 (C1q and TNF related 5; minus strand), MFRP (membrane frizzled-related protein; minus strand). Cytogenetic location: 11q23.3.
Variant type: single nucleotide variant.
Coding change: c.335C>T on transcript NM_031433.4 (MANE Select); coding-DNA position 335, C replaced by T.
Protein change: p.Thr112Met; replaces threonine 112 with methionine.
Molecular consequence: missense variant. On other transcripts: 5 prime UTR variant (1).
Genome position (GRCh38, 1-based): chr11:119,345,865, G>A on the plus strand (C>T on the coding strand, the complement: MFRP is on the minus strand). VCF-style: chr11-119345865-G-A. GRCh37 (hg19) VCF-style: chr11-119216575-G-A.
Other names: c.-2302C>T (NM_015645.5); short protein forms T112M.
Identifiers: ClinVar variation 302973 (VCV000302973.13), dbSNP rs145883448, ClinGen allele CA6320609.
Genomic context (GRCh38, chr11:119,345,865, plus strand): 5'-TGCTGCCCTTTAGGGGTCCCAGCTGCCTGAGAGGTGGTGATGGTGGGGGTGGTGGTGGTC[G>A]TGGTAAGGCCTCCGGCAGGCAGTGGGCTATGGGACGCCCCAGATGGGGGTGCAGCCTGCA-3'
Protein context (NP_113621.1, residues 102-122): HSPLPAGGLT[Thr112Met]TTTTPTITTS